The following is an entry in ClinVar:

ClinVar aggregate classification (germline): Uncertain significance (1 of 4 stars; one submission).

Conditions:
Primary ciliary dyskinesia. Also called: Ciliary dyskinesia. Identifiers: Orphanet 244, MedGen C0008780, MONDO:0016575, HP:0012265.

Submission:

Labcorp Genetics (formerly Invitae), Labcorp
Classification: Uncertain significance for Primary ciliary dyskinesia. Last evaluated: 2020-02-18. Review status: criteria provided, single submitter. Criteria: Invitae Variant Classification Sherloc (09022015). Collection method: clinical testing. Allele origin: germline.
Comment: This sequence change replaces serine with isoleucine at codon 4279 of the DNAH11 protein (p.Ser4279Ile). The serine residue is moderately conserved and there is a large physicochemical difference between serine and isoleucine. This variant is not present in population databases (ExAC no frequency). This variant has not been reported in the literature in individuals with DNAH11-related conditions. Algorithms developed to predict the effect of missense changes on protein structure and function are either unavailable or do not agree on the potential impact of this missense change (SIFT: "Deleterious"; PolyPhen-2: "Possibly Damaging"; Align-GVGD: "Class C0"). In summary, the available evidence is currently insufficient to determine the role of this variant in disease. Therefore, it has been classified as a Variant of Uncertain Significance.

NM_001277115.2(DNAH11):c.12836G>T (p.Ser4279Ile)

Gene: DNAH11 (dynein axonemal heavy chain 11; plus strand). Cytogenetic location: 7p15.3.
Variant type: single nucleotide variant.
Coding change: c.12836G>T on transcript NM_001277115.2 (MANE Select); coding-DNA position 12836, G replaced by T.
Protein change: p.Ser4279Ile; replaces serine 4279 with isoleucine.
Molecular consequence: missense variant.
Genome position (GRCh38, 1-based): chr7:21,894,708, G>T. VCF-style: chr7-21894708-G-T. GRCh37 (hg19) VCF-style: chr7-21934326-G-T.
Other names: short protein forms S4279I.
Identifiers: ClinVar variation 1022681 (VCV001022681.17), dbSNP rs1784445668, ClinGen allele CA366954546.